The following is an entry in ClinVar:

NM_002709.3(PPP1CB):c.433A>G (p.Ile145Val)

Gene: PPP1CB (protein phosphatase 1 catalytic subunit beta; plus strand). Cytogenetic location: 2p23.2.
Variant type: single nucleotide variant.
Coding change: c.433A>G on transcript NM_002709.3 (MANE Select); coding-DNA position 433, A replaced by G.
Protein change: p.Ile145Val; replaces isoleucine 145 with valine.
Molecular consequence: missense variant.
Genome position (GRCh38, 1-based): chr2:28,781,755, A>G. VCF-style: chr2-28781755-A-G. GRCh37 (hg19) VCF-style: chr2-29004621-A-G.
Other names: c.433A>G, p.Ile145Val (NM_206876.2); short protein forms I145V.
Identifiers: ClinVar variation 4808379 (VCV004808379.1).

ClinVar aggregate classification (germline): Uncertain significance (1 of 4 stars; one submission).

Submission:

Labcorp Genetics (formerly Invitae), Labcorp
Classification: Uncertain significance. Last evaluated: 2025-06-27. Review status: criteria provided, single submitter. Criteria: Invitae Variant Classification Sherloc (09022015). Collection method: clinical testing. Allele origin: germline.
Comment: This sequence change replaces isoleucine, which is neutral and non-polar, with valine, which is neutral and non-polar, at codon 145 of the PPP1CB protein (p.Ile145Val). This variant is not present in population databases (gnomAD no frequency). This variant has not been reported in the literature in individuals affected with PPP1CB-related conditions. Invitae Evidence Modeling of protein sequence and biophysical properties (such as structural, functional, and spatial information, amino acid conservation, physicochemical variation, residue mobility, and thermodynamic stability) indicates that this missense variant is not expected to disrupt PPP1CB protein function with a negative predictive value of 80%. In summary, the available evidence is currently insufficient to determine the role of this variant in disease. Therefore, it has been classified as a Variant of Uncertain Significance.